The following is an entry in ClinVar:

ClinVar aggregate classification (germline): Pathogenic (1 of 4 stars; one submission).

Submission:

GeneDx
Classification: Pathogenic. Last evaluated: 2025-03-04. Review status: criteria provided, single submitter. Criteria: GeneDx Variant Classification Process June 2021. Collection method: clinical testing. Allele origin: germline. Affected: yes.
Comment: Nonsense variant predicted to result in protein truncation or nonsense mediated decay in a gene for which loss of function is a known mechanism of disease; Not observed at significant frequency in large population cohorts (gnomAD); Has not been previously published as pathogenic or benign to our knowledge

NM_182925.5(FLT4):c.541C>T (p.Gln181Ter)

Gene: FLT4 (fms related receptor tyrosine kinase 4; minus strand). Cytogenetic location: 5q35.3.
Variant type: single nucleotide variant.
Coding change: c.541C>T on transcript NM_182925.5 (MANE Select); coding-DNA position 541, C replaced by T.
Protein change: p.Gln181Ter; replaces glutamine 181 with a stop codon.
Molecular consequence: nonsense.
Genome position (GRCh38, 1-based): chr5:180,630,078, G>A on the plus strand (C>T on the coding strand, the complement: FLT4 is on the minus strand). VCF-style: chr5-180630078-G-A. GRCh37 (hg19) VCF-style: chr5-180057078-G-A.
Other names: c.541C>T, p.Gln181Ter (NM_001354989.2, NM_002020.5); short protein forms Q181*.
Identifiers: ClinVar variation 4082986 (VCV004082986.1).